The following is an entry in ClinVar:

NM_005422.4(TECTA):c.5091G>A (p.Met1697Ile)

Genes: TBCEL-TECTA (TBCEL-TECTA readthrough; plus strand), TECTA (tectorin alpha; plus strand). Cytogenetic location: 11q23.3.
Variant type: single nucleotide variant.
Coding change: c.5091G>A on transcript NM_005422.4 (MANE Select); coding-DNA position 5091, G replaced by A.
Protein change: p.Met1697Ile; replaces methionine 1697 with isoleucine.
Molecular consequence: missense variant.
Genome position (GRCh38, 1-based): chr11:121,162,189, G>A. VCF-style: chr11-121162189-G-A. GRCh37 (hg19) VCF-style: chr11-121032898-G-A.
Other names: c.6033G>A, p.Met2011Ile (NM_001378761.1); short protein forms M1697I, M2011I.
Identifiers: ClinVar variation 303031 (VCV000303031.9), dbSNP rs200028435, ClinGen allele CA6327650.
Genomic context (GRCh38, chr11:121,162,189, plus strand): 5'-TGACAATGTGCACATCCAGAAGATGCAGGGTGATGGCTACTGCCTGAAGCTCACCGACAT[G>A]AAGGGCTTCTTCCAGCCCTGCTATGGGCTTCTCGATCCCCTCCCATTCTACGAGTCCTGC-3'
Protein context (NP_005413.2, residues 1687-1707): GDGYCLKLTD[Met1697Ile]KGFFQPCYGL

ClinVar aggregate classification (germline): Uncertain significance. Review status: criteria provided, multiple submitters, no conflicts (2 of 4 stars). 5 submissions from 4 submitters: Uncertain significance (5). Last evaluated 2025-05-18.

Conditions:
Inborn genetic diseases. Identifiers: MedGen C0950123, MeSH D030342.
TECTA-related disorder. Also called: TECTA-related condition.
Autosomal recessive nonsyndromic hearing loss 21. Identifiers: Orphanet 90636, MedGen C1863655, MONDO:0011351, OMIM 603629.
Autosomal dominant nonsyndromic hearing loss 12. Also called: DEAFNESS, AUTOSOMAL DOMINANT 8. Identifiers: Orphanet 90635, MedGen C1832187, MONDO:0011102, OMIM 601543.

Allele frequency attached by ClinVar (database versions not stated): gnomAD exomes 0.00002 and 0.00004; TOPMed 0.00002; ExAC 0.00003; gnomAD 0.00003 and 0.00004; ESP Exome Variant Server 0.00015.

Submissions (5):

PreventionGenetics, part of Exact Sciences
Classification: Uncertain significance for TECTA-related condition. Last evaluated: 2025-05-18. Review status: criteria provided, single submitter. Criteria: ACMG Guidelines, 2015. Collection method: clinical testing. Allele origin: germline.
Comment: The TECTA c.5091G>A variant is predicted to result in the amino acid substitution p.Met1697Ile. To our knowledge, this variant has not been reported in the literature. This variant is reported in 0.0093% of alleles in individuals of European (Non-Finnish) descent in gnomAD. At this time, the clinical significance of this variant is uncertain due to the absence of conclusive functional and genetic evidence.

Ambry Genetics
Classification: Uncertain significance for Inborn genetic diseases. Last evaluated: 2022-11-10. Review status: criteria provided, single submitter. Criteria: Ambry Variant Classification Scheme 2023. Collection method: clinical testing. Allele origin: germline.

GeneDx
Classification: Uncertain significance. Last evaluated: 2022-04-15. Review status: criteria provided, single submitter. Criteria: GeneDx Variant Classification Process June 2021. Collection method: clinical testing. Allele origin: germline. Affected: yes.
Comment: In silico analysis supports that this missense variant does not alter protein structure/function; Has not been previously published as pathogenic or benign to our knowledge

Illumina Laboratory Services, Illumina
Classification: Uncertain significance for Autosomal recessive nonsyndromic hearing loss 21. Last evaluated: 2018-01-12. Review status: criteria provided, single submitter. Criteria: ICSL Variant Classification Criteria 13 December 2019. Collection method: clinical testing. Allele origin: germline.

Illumina Laboratory Services, Illumina
Classification: Uncertain significance for Autosomal dominant nonsyndromic hearing loss 12. Last evaluated: 2018-01-12. Review status: criteria provided, single submitter. Criteria: ICSL Variant Classification Criteria 13 December 2019. Collection method: clinical testing. Allele origin: germline.